The following is an entry in ClinVar:

ClinVar aggregate classification (germline): Pathogenic (1 of 4 stars; one submission).

Conditions:
Alpha thalassemia-X-linked intellectual disability syndrome (ATRX). Also called: ALPHA-THALASSEMIA/MENTAL RETARDATION SYNDROME, X-LINKED; ATR, NONDELETION TYPE; ATR-X syndrome; Alpha thalassemia mental retardation syndrome, nondeletion type, X-linked; XLMR hypotonic face syndrome; X-linked alpha-thalassemia-mental retardation syndrome. Identifiers: Orphanet 847, MedGen C1845055, MONDO:0010519, OMIM 301040.

Submission:

Labcorp Genetics (formerly Invitae), Labcorp
Classification: Pathogenic for Alpha thalassemia-X-linked intellectual disability syndrome. Last evaluated: 2023-12-30. Review status: criteria provided, single submitter. Criteria: Invitae Variant Classification Sherloc (09022015). Collection method: clinical testing. Allele origin: unknown.
Comment: This variant is a gross deletion of the genomic region encompassing exon(s) 13-15 of the ATRX gene. This deletion is out-of-frame, and is expected to create a premature termination codon and result in an absent or disrupted protein product. Loss-of-function variants in ATRX are known to be pathogenic (PMID: 15591283, 18409179, 23681356). This variant has not been reported in the literature in individuals affected with ATRX-related conditions. For these reasons, this variant has been classified as Pathogenic.

Literature cited by the submitters: PubMed 15591283; PubMed 18409179; PubMed 23681356.

NC_000023.10:g.(?_76907584)_(76912163_?)del

Gene: ATRX (ATRX chromatin remodeler; minus strand). Cytogenetic location: Xq21.1.
Variant type: Deletion.
Identifiers: ClinVar variation 3244486 (VCV003244486.1).